The following is an entry in ClinVar:

ClinVar aggregate classification (germline): Uncertain significance (1 of 4 stars; one submission).

Submission:

CeGaT Center for Human Genetics Tuebingen
Classification: Uncertain significance. Last evaluated: 2024-12-01. Review status: criteria provided, single submitter. Criteria: CeGaT Center For Human Genetics Tuebingen Variant Classification Criteria Version 2. Collection method: clinical testing. Allele origin: germline. Affected: yes. Observed: 1 variant allele.
Comment: OFD1: PM2

NM_003611.3(OFD1):c.1607C>T (p.Thr536Ile)

Gene: OFD1 (OFD1 centriole and centriolar satellite protein; plus strand). Cytogenetic location: Xp22.2.
Variant type: single nucleotide variant.
Coding change: c.1607C>T on transcript NM_003611.3 (MANE Select); coding-DNA position 1607, C replaced by T.
Protein change: p.Thr536Ile; replaces threonine 536 with isoleucine.
Molecular consequence: missense variant.
Genome position (GRCh38, 1-based): chrX:13,758,401, C>T. VCF-style: chrX-13758401-C-T. GRCh37 (hg19) VCF-style: chrX-13776520-C-T.
Other names: c.1487C>T, p.Thr496Ile (NM_001330209.2); c.1187C>T, p.Thr396Ile (NM_001330210.2); short protein forms T396I, T496I, T536I.
Identifiers: ClinVar variation 3772076 (VCV003772076.13).